The following is an entry in ClinVar:

ClinVar aggregate classification (germline): Pathogenic. Review status: criteria provided, multiple submitters, no conflicts (2 of 4 stars). 3 submissions from 3 submitters: Pathogenic (2). 1 of the submissions does not count toward it. Last evaluated 2025-09-11.

Conditions:
beta Thalassemia (BTHAL). Also called: Cooley's anemia; Erythroblastic anemia; Mediterranean anemia. Identifiers: Orphanet 848, MedGen C0005283, MONDO:0019402. Disease mechanism: loss of function.

Submissions (3):

Natera, Inc.
Classification: Pathogenic for Beta thalassemia. Last evaluated: 2025-09-11. Review status: criteria provided, single submitter. Criteria: Natera Variant Classification Schema (03/2026). Collection method: clinical testing. Allele origin: germline.
Comment: The c.22G>T variant in HBB is a nonsense variant predicted to introduce a stop codon at amino acid 8. This variant is expected to result in nonsense mediated decay, truncation, or a dysfunctional protein product. This variant is rare in the general population with a frequency below the threshold expected for the associated phenotype(s). This variant has been observed in one or more individuals affected with the associated recessive disease, as either homozygous or compound heterozygous with a second variant (PMID: 32406020). Given the available evidence, this variant is classified as Pathogenic.

Quest Diagnostics Nichols Institute San Juan Capistrano
Classification: Pathogenic. Last evaluated: 2023-07-04. Review status: criteria provided, single submitter. Criteria: Quest Diagnostics criteria. Collection method: clinical testing. Allele origin: unknown.
Comment: The HBB c.22G>T (p.Glu8*) variant causes the premature termination of HBB protein synthesis. This variant has been reported to be associated with hemolytic anemia and ineffective erythropoiesis (ITHANET). It has also been reported in large beta thalassemia screening studies (PMID: 18096416 (2008), 33947296 (2021)). This variant has not been reported in large, multi-ethnic general populations (Genome Aggregation Database). Based on the available information, this variant is classified as pathogenic.

The ITHANET community portal, The Cyprus Institute of Neurology and Genetics
Classification: Pathogenic for beta Thalassemia. Last evaluated: 2019-11-25. Review status: no assertion criteria provided. Collection method: curation. Allele origin: germline. Not counted in ClinVar's aggregate classification.

Literature cited by the submitters: PubMed 32406020 (cited by Natera, Inc.); PubMed 18096416 (cited by Quest Diagnostics Nichols Institute San Juan Capistrano); PubMed 33947296 (cited by Quest Diagnostics Nichols Institute San Juan Capistrano); PubMed 23637309 (cited by The ITHANET community portal, The Cyprus Institute of Neurology and Genetics).

NM_000518.5(HBB):c.22G>T (p.Glu8Ter)

Genes: HBB (hemoglobin subunit beta; minus strand), LOC106099062 (HBB recombination region; plus strand), LOC107133510 (origin of replication at HBB; plus strand). Cytogenetic location: 11p15.4.
Variant type: single nucleotide variant.
Coding change: c.22G>T on transcript NM_000518.5 (MANE Select); coding-DNA position 22, G replaced by T.
Protein change: p.Glu8Ter; replaces glutamic acid 8 with a stop codon.
Molecular consequence: nonsense.
Genome position (GRCh38, 1-based): chr11:5,227,000, C>A on the plus strand (G>T on the coding strand, the complement: HBB is on the minus strand). VCF-style: chr11-5227000-C-A. GRCh37 (hg19) VCF-style: chr11-5248230-C-A.
Other names: CD 7 GAG>TAG; c.22G>T (NM_000518.4); short protein forms E8*.
Identifiers: ClinVar variation 869271 (VCV000869271.2), dbSNP rs34948328, ClinGen allele CA379274972.